The following is an entry in ClinVar:

NM_001077446.4(TSEN34):c.*865A>G

Gene: TSEN34 (tRNA splicing endonuclease subunit 34; plus strand). Cytogenetic location: 19q13.42.
Variant type: single nucleotide variant.
Coding change: c.*865A>G on transcript NM_001077446.4 (MANE Select); 865 bases downstream of the stop codon, A replaced by G.
Molecular consequence: 3 prime UTR variant.
Genome position (GRCh38, 1-based): chr19:54,194,227, A>G. VCF-style: chr19-54194227-A-G. GRCh37 (hg19) VCF-style: chr19-54698082-A-G.
Other names: c.*865A>G (NM_001282332.2, NM_001386740.1, NM_024075.5); c.*556A>G (NM_001282333.2).
Identifiers: ClinVar variation 330143 (VCV000330143.5), dbSNP rs187570218, ClinGen allele CA309377819.

ClinVar aggregate classification (germline): Benign (1 of 4 stars; one submission).

Conditions:
Pontoneocerebellar hypoplasia. Also called: Pontocerebellar hypoplasia; Non-syndromic pontocerebellar hypoplasia. Identifiers: Orphanet 98523, MedGen C1261175, MONDO:0020135.

Allele frequency attached by ClinVar (database versions not stated): gnomAD 0.00272 and 0.00290; TOPMed 0.00413; 1000 Genomes Project 0.00579; 1000 Genomes Project 30x 0.00703; gnomAD exomes 0.08333.
gnomAD v4.1: 436 of 149,332 alleles (0.29%); highest among the groups gnomAD compares: Admixed American, 1.9%; 3 homozygotes.

Submission:

Illumina Laboratory Services, Illumina
Classification: Benign for Pontoneocerebellar hypoplasia. Last evaluated: 2018-01-13. Review status: criteria provided, single submitter. Criteria: ICSL Variant Classification Criteria 13 December 2019. Collection method: clinical testing. Allele origin: germline.
Comment: This variant was observed in the ICSL laboratory as part of a predisposition screen in an ostensibly healthy population. It had not been previously curated by ICSL or reported in the Human Gene Mutation Database (HGMD: prior to June 1st, 2018), and was therefore a candidate for classification through an automated scoring system. Utilizing variant allele frequency, disease prevalence and penetrance estimates, and inheritance mode, an automated score was calculated to assess if this variant is too frequent to cause the disease. Based on the score and internal cut-off values, a variant classified as benign is not then subjected to further curation. The score for this variant resulted in a classification of benign for this disease.